The following is an entry in ClinVar:

NR_199791.1(RNU2-2):n.180G>A

Genes: RNU2-2 (RNA, U2 small nuclear 2; minus strand), WDR74 (WD repeat domain 74; minus strand). Cytogenetic location: 11q12.3.
Variant type: single nucleotide variant.
Molecular consequence: non-coding transcript variant (on NR_199791.1). On other transcripts: 5 prime UTR variant (1).
Genome position: GRCh38 VCF-style: chr11-62841630-C-T. GRCh37 (hg19) VCF-style: chr11-62609102-C-T.
Other names: c.-359G>A (NM_001369451.1).
Identifiers: ClinVar variation 4540542 (VCV004540542.1).
Genomic context (GRCh38, chr11:62,841,630, plus strand): 5'-CTAACTGATCGAAATCTTCCATTAAACAACGGTTGTTCTCTCCCCGAAGGGAGAGTGCAC[C>T]GTTCCTGGAAGTACTGCAATACCAGGTCGATGCGTGGAGTGGACGGAGCAAGCTCCTATT-3'

ClinVar aggregate classification (germline): Uncertain significance (1 of 4 stars; one submission).

Submission:

Institute for Human Genetics, University Hospital Essen
Classification: Uncertain significance. Last evaluated: 2025-11-27. Review status: criteria provided, single submitter. Criteria: Submitter's publication. Collection method: clinical testing. Allele origin: inherited. Inheritance: Autosomal unknown. Affected: yes. Observed: 1 variant allele, 1 compound heterozygote.
Comment: PM1_supp (criteria rationale detailed in Leitão et al. Nature Genetics 2026)